The following is an entry in ClinVar:

NM_000170.3(GLDC):c.1926+6T>C

Gene: GLDC (glycine decarboxylase; minus strand). Cytogenetic location: 9p24.1.
Variant type: single nucleotide variant.
Coding change: c.1926+6T>C on transcript NM_000170.3 (MANE Select); 6 bases into the intron after coding-DNA position 1926, T replaced by C.
Molecular consequence: intron variant.
Genome position (GRCh38, 1-based): chr9:6,565,348, A>G on the plus strand (T>C on the coding strand, the complement: GLDC is on the minus strand). VCF-style: chr9-6565348-A-G. GRCh37 (hg19) VCF-style: chr9-6565348-A-G.
Identifiers: ClinVar variation 703871 (VCV000703871.20), dbSNP rs200007891, ClinGen allele CA4980480.

ClinVar aggregate classification (germline): Conflicting classifications of pathogenicity. Review status: criteria provided, conflicting classifications (1 of 4 stars). 4 submissions from 4 submitters: Uncertain significance (2); Likely benign (1). 1 of the submissions does not count toward it. Last evaluated 2026-01-22.

Conditions:
Glycine encephalopathy. Also called: Non-ketotic hyperglycinemia; Nonketotic hyperglycinemia. Identifiers: Orphanet 407, MedGen C0751748, MONDO:0011612, HP:0008288.

Allele frequency attached by ClinVar (database versions not stated): ESP Exome Variant Server 0.00008; gnomAD 0.00011 and 0.00015; ExAC 0.00013; TOPMed 0.00019; gnomAD exomes 0.00021.
gnomAD v4.1: 172 of 1,607,668 alleles (0.011%); highest among the groups gnomAD compares: Admixed American, 0.013%; no homozygotes.

Submissions (4):

Labcorp Genetics (formerly Invitae), Labcorp
Classification: Likely benign for Glycine encephalopathy. Last evaluated: 2026-01-22. Review status: criteria provided, single submitter. Criteria: Invitae Variant Classification Sherloc (09022015). Collection method: clinical testing. Allele origin: germline.

GeneDx
Classification: Uncertain significance. Last evaluated: 2025-07-23. Review status: criteria provided, single submitter. Criteria: GeneDx Variant Classification Process June 2021. Collection method: clinical testing. Allele origin: germline. Affected: yes.
Comment: In silico analysis supports a deleterious effect on splicing; Has not been previously published as pathogenic or benign to our knowledge

Illumina Laboratory Services, Illumina
Classification: Uncertain significance for Glycine encephalopathy 1. Last evaluated: 2018-01-12. Review status: criteria provided, single submitter. Criteria: ICSL Variant Classification Criteria 13 December 2019. Collection method: clinical testing. Allele origin: germline.

Natera, Inc.
Classification: Likely benign for Non-ketotic hyperglycinemia. Last evaluated: 2020-04-13. Review status: no assertion criteria provided. Collection method: clinical testing. Allele origin: germline. Not counted in ClinVar's aggregate classification.